The following is an entry in ClinVar:

NM_001723.7(DST):c.60C>A (p.Ser20Arg)

Gene: DST (dystonin; minus strand). Cytogenetic location: 6p12.1.
Variant type: single nucleotide variant.
Coding change: c.60C>A on transcript NM_001723.7 (MANE Plus Clinical); coding-DNA position 60, C replaced by A.
Protein change: p.Ser20Arg; replaces serine 20 with arginine.
Molecular consequence: missense variant. On other transcripts: intron variant (9).
Genome position (GRCh38, 1-based): chr6:56,642,729, G>T on the plus strand (C>A on the coding strand, the complement: DST is on the minus strand). VCF-style: chr6-56642729-G-T. GRCh37 (hg19) VCF-style: chr6-56507527-G-T.
Other names: c.60C>A, p.Ser20Arg (NM_015548.5); c.1680-226C>A (NM_001144769.5); c.1779-226C>A (NM_001374722.1, NM_001374736.1); c.1806-226C>A (NM_001374734.1); c.1266-226C>A (NM_001144770.2); c.1146-226C>A (NM_001374730.1, NM_001386100.1, NM_183380.4 and 1 more transcripts); short protein forms S20R.
Identifiers: ClinVar variation 1062694 (VCV001062694.9), dbSNP rs2152782163, ClinGen allele CA364615628.
Genomic context (GRCh38, chr6:56,642,729, plus strand): 5'-CAGTGTTGGACCACAATGAACCAAGAGAAGATTTTCATTTGAATCAAGACTGGTTCGAGT[G>T]CTGGTAGTGTTACTAAACACAGAATCACTGCTACGGTAACTATAACTACTACTGTGCATT-3'
Protein context (NP_001714.1, residues 10-30): SSDSVFSNTT[Ser20Arg]TRTSLDSNEN

ClinVar aggregate classification (germline): Uncertain significance (1 of 4 stars; one submission).

Conditions:
Hereditary sensory and autonomic neuropathy type 6. Also called: HSAN VI; Neuropathy, hereditary sensory and autonomic, type VI. Identifiers: Orphanet 314381, MedGen C3539003, MONDO:0013839, OMIM 614653.
Epidermolysis bullosa simplex 3, localized or generalized intermediate, with BP230 deficiency (EBS3). Also called: Epidermolysis bullosa simplex due to BP230 deficiency; Epidermolysis bullosa simplex, autosomal recessive 2. Identifiers: Orphanet 412181, MedGen C3809470, MONDO:0014180, OMIM 615425.

Submission:

Labcorp Genetics (formerly Invitae), Labcorp
Classification: Uncertain significance for Epidermolysis bullosa simplex 3, localized or generalized intermediate, with BP230 deficiency; Hereditary sensory and autonomic neuropathy type 6. Last evaluated: 2020-06-08. Review status: criteria provided, single submitter. Criteria: Invitae Variant Classification Sherloc (09022015). Collection method: clinical testing. Allele origin: germline.
Comment: In summary, the available evidence is currently insufficient to determine the role of this variant in disease. Therefore, it has been classified as a Variant of Uncertain Significance. Algorithms developed to predict the effect of missense changes on protein structure and function (SIFT, PolyPhen-2, Align-GVGD) all suggest that this variant is likely to be disruptive, but these predictions have not been confirmed by published functional studies and their clinical significance is uncertain. This variant has not been reported in the literature in individuals with DST-related conditions. This variant is not present in population databases (ExAC no frequency). This sequence change replaces serine with arginine at codon 20 of the DST protein (p.Ser20Arg). The serine residue is weakly conserved and there is a moderate physicochemical difference between serine and arginine.